The following is an entry in ClinVar:

NM_001042492.3(NF1):c.7286T>A (p.Phe2429Tyr)

Gene: NF1 (neurofibromin 1; plus strand). Cytogenetic location: 17q11.2.
Variant type: single nucleotide variant.
Coding change: c.7286T>A on transcript NM_001042492.3 (MANE Select); coding-DNA position 7286, T replaced by A.
Protein change: p.Phe2429Tyr; replaces phenylalanine 2429 with tyrosine.
Molecular consequence: missense variant.
Genome position (GRCh38, 1-based): chr17:31,349,216, T>A. VCF-style: chr17-31349216-T-A. GRCh37 (hg19) VCF-style: chr17-29676234-T-A.
Other names: c.7223T>A, p.Phe2408Tyr (NM_000267.4); short protein forms F2429Y, F2408Y.
Identifiers: ClinVar variation 4018669 (VCV004018669.1).
Genomic context (GRCh38, chr17:31,349,216, plus strand): 5'-CAGTCAGAATTTTACATACACTACTAACTCTGGTTAACAAACACAGAAATTGTGACAAAT[T>A]TGAAGTGAATACACAGAGCGTGGCCTACTTAGCAGGTAAAAACACAAAATAAACAAAATT-3'
Protein context (NP_001035957.1, residues 2419-2439): LVNKHRNCDK[Phe2429Tyr]EVNTQSVAYL

ClinVar aggregate classification (germline): Uncertain significance (1 of 4 stars; one submission).

Conditions:
Cardiovascular phenotype. Identifiers: MedGen CN230736.
Hereditary cancer-predisposing syndrome. Also called: Tumor predisposition; Hereditary neoplastic syndrome; Neoplastic Syndromes, Hereditary; Hereditary Cancer Syndrome. Identifiers: Orphanet 140162, MedGen C0027672, MeSH D009386, MONDO:0015356.

gnomAD v4.1: 1 of 1,613,526 alleles (0.000062%); highest among the groups gnomAD compares: Non-Finnish European, 0.000085%; no homozygotes.

Submission:

Ambry Genetics
Classification: Uncertain significance for Cardiovascular phenotype; Hereditary cancer-predisposing syndrome. Last evaluated: 2025-04-05. Review status: criteria provided, single submitter. Criteria: Ambry Variant Classification Scheme 2023. Collection method: clinical testing. Allele origin: germline.
Comment: The p.F2408Y variant (also known as c.7223T>A), located in coding exon 48 of the NF1 gene, results from a T to A substitution at nucleotide position 7223. The phenylalanine at codon 2408 is replaced by tyrosine, an amino acid with highly similar properties. This amino acid position is conserved. In addition, this alteration is predicted to be tolerated by in silico analysis. Based on the available evidence, the clinical significance of this variant remains unclear.